The following is an entry in ClinVar:

NM_001365088.1(SLC12A6):c.2523C>G (p.His841Gln)

Genes: SLC12A6 (solute carrier family 12 member 6; minus strand), LOC126862097 (P300/CBP strongly-dependent group 1 enhancer GRCh37_chr15:34531007-34532206; plus strand). Cytogenetic location: 15q14.
Variant type: single nucleotide variant.
Coding change: c.2523C>G on transcript NM_001365088.1 (MANE Select); coding-DNA position 2523, C replaced by G.
Protein change: p.His841Gln; replaces histidine 841 with glutamine.
Molecular consequence: missense variant.
Genome position (GRCh38, 1-based): chr15:34,239,074, G>C on the plus strand (C>G on the coding strand, the complement: SLC12A6 is on the minus strand). VCF-style: chr15-34239074-G-C. GRCh37 (hg19) VCF-style: chr15-34531275-G-C.
Other names: c.2346C>G, p.His782Gln (NM_001042494.2, NM_001042495.2); c.2496C>G, p.His832Gln (NM_001042496.2); c.2478C>G, p.His826Gln (NM_001042497.2); c.2370C>G, p.His790Gln (NM_005135.2); c.2523C>G, p.His841Gln (NM_133647.2); short protein forms H782Q, H826Q, H832Q, H790Q, H841Q.
Identifiers: ClinVar variation 2195660 (VCV002195660.4), dbSNP rs138987629, ClinGen allele CA7464065.

ClinVar aggregate classification (germline): Uncertain significance. Review status: criteria provided, multiple submitters, no conflicts (2 of 4 stars). 3 submissions from 3 submitters: Uncertain significance (2). 1 of the submissions does not count toward it. Last evaluated 2025-10-22.

Conditions:
Inborn genetic diseases. Identifiers: MedGen C0950123, MeSH D030342.
SLC12A6-related disorder. Also called: SLC12A6-related condition.

Allele frequency attached by ClinVar (database versions not stated): ExAC 0.00005; TOPMed 0.00011; gnomAD exomes below 0.00001; 1000 Genomes Project 0.00060; 1000 Genomes Project 30x 0.00062; gnomAD 0.00012; ESP Exome Variant Server 0.00023.
gnomAD v4.1: 24 of 1,614,094 alleles (0.0015%); highest among the groups gnomAD compares: African/African-American, 0.031%; no homozygotes.

Submissions (3):

Ambry Genetics
Classification: Uncertain significance for Inborn genetic diseases. Last evaluated: 2025-10-22. Review status: criteria provided, single submitter. Criteria: Ambry Variant Classification Scheme 2023. Collection method: clinical testing. Allele origin: germline.

Labcorp Genetics (formerly Invitae), Labcorp
Classification: Uncertain significance. Last evaluated: 2024-09-17. Review status: criteria provided, single submitter. Criteria: Invitae Variant Classification Sherloc (09022015). Collection method: clinical testing. Allele origin: germline.
Comment: This sequence change replaces histidine, which is basic and polar, with glutamine, which is neutral and polar, at codon 841 of the SLC12A6 protein (p.His841Gln). This variant is present in population databases (rs138987629, gnomAD 0.04%). This variant has not been reported in the literature in individuals affected with SLC12A6-related conditions. ClinVar contains an entry for this variant (Variation ID: 2195660). Invitae Evidence Modeling of protein sequence and biophysical properties (such as structural, functional, and spatial information, amino acid conservation, physicochemical variation, residue mobility, and thermodynamic stability) indicates that this missense variant is not expected to disrupt SLC12A6 protein function with a negative predictive value of 80%. In summary, the available evidence is currently insufficient to determine the role of this variant in disease. Therefore, it has been classified as a Variant of Uncertain Significance.

PreventionGenetics, part of Exact Sciences
Classification: Uncertain significance for SLC12A6-related condition. Last evaluated: 2024-05-30. Review status: no assertion criteria provided. Collection method: clinical testing. Allele origin: germline. Not counted in ClinVar's aggregate classification.
Comment: The SLC12A6 c.2523C>G variant is predicted to result in the amino acid substitution p.His841Gln. To our knowledge, this variant has not been reported in the literature. This variant is reported in 0.036% of alleles in individuals of African descent in gnomAD. At this time, the clinical significance of this variant is uncertain due to the absence of conclusive functional and genetic evidence.